The following is an entry in ClinVar:

ClinVar aggregate classification (germline): Benign/Likely benign. Review status: criteria provided, multiple submitters, no conflicts (2 of 4 stars). 4 submissions from 4 submitters: Benign (1); Likely benign (3). Last evaluated 2024-08-21.

Conditions:
Familial cancer of breast. Also called: BREAST CANCER, FAMILIAL; hereditary breast carcinoma; Hereditary breast cancer. Identifiers: Orphanet 227535, MedGen C0346153, MONDO:0016419, OMIM 114480. Disease mechanism: loss of function.
Fanconi anemia complementation group J. Also called: BRIP1-Related Fanconi Anemia. Identifiers: Orphanet 84, MedGen C1836860, MONDO:0012187, OMIM 609054.
Hereditary cancer-predisposing syndrome. Also called: Tumor predisposition; Neoplastic Syndromes, Hereditary; Hereditary Cancer Syndrome; Hereditary neoplastic syndrome. Identifiers: Orphanet 140162, MedGen C0027672, MeSH D009386, MONDO:0015356.

Submissions (4):

Myriad Genetics, Inc.
Classification: Benign for Familial cancer of breast. Last evaluated: 2024-08-21. Review status: criteria provided, single submitter. Criteria: Myriad Autosomal Dominant, Autosomal Recessive and X-Linked Classification Criteria (2023). Collection method: clinical testing. Allele origin: unknown.
Comment: This variant is considered benign. This variant is a silent/synonymous amino acid change and it is not expected to impact splicing.

Ambry Genetics
Classification: Likely benign for Hereditary cancer-predisposing syndrome. Last evaluated: 2024-03-23. Review status: criteria provided, single submitter. Criteria: Ambry Variant Classification Scheme 2023. Collection method: clinical testing. Allele origin: germline.

Labcorp Genetics (formerly Invitae), Labcorp
Classification: Likely benign for Familial cancer of breast; Fanconi anemia complementation group J. Last evaluated: 2024-03-04. Review status: criteria provided, single submitter. Criteria: Invitae Variant Classification Sherloc (09022015). Collection method: clinical testing. Allele origin: germline.

Color Diagnostics, LLC DBA Color Health
Classification: Likely benign for Hereditary cancer-predisposing syndrome. Last evaluated: 2020-07-28. Review status: criteria provided, single submitter. Criteria: ACMG Guidelines, 2015. Collection method: clinical testing. Allele origin: germline.

NM_032043.3(BRIP1):c.594A>G (p.Pro198=)

Gene: BRIP1 (BRCA1 interacting DNA helicase 1; minus strand). Cytogenetic location: 17q23.2.
Variant type: single nucleotide variant.
Coding change: c.594A>G on transcript NM_032043.3 (MANE Select); coding-DNA position 594, A replaced by G.
Protein change: p.Pro198=; no amino-acid change (proline 198 retained).
Molecular consequence: synonymous variant.
Genome position (GRCh38, 1-based): chr17:61,847,134, T>C on the plus strand (A>G on the coding strand, the complement: BRIP1 is on the minus strand). VCF-style: chr17-61847134-T-C. GRCh37 (hg19) VCF-style: chr17-59924495-T-C.
Identifiers: ClinVar variation 1089175 (VCV001089175.14), dbSNP rs2145742604, ClinGen allele CA501150619.